The following is an entry in ClinVar:

NM_014324.6(AMACR):c.770A>G (p.Asn257Ser)

Genes: AMACR (alpha-methylacyl-CoA racemase; minus strand), C1QTNF3-AMACR (C1QTNF3-AMACR readthrough (NMD candidate); minus strand). Cytogenetic location: 5p13.2.
Variant type: single nucleotide variant.
Coding change: c.770A>G on transcript NM_014324.6 (MANE Select); coding-DNA position 770, A replaced by G.
Protein change: p.Asn257Ser; replaces asparagine 257 with serine.
Molecular consequence: missense variant. On other transcripts: non-coding transcript variant (1), 3 prime UTR variant (1).
Genome position (GRCh38, 1-based): chr5:33,989,472, T>C on the plus strand (A>G on the coding strand, the complement: AMACR is on the minus strand). VCF-style: chr5-33989472-T-C. GRCh37 (hg19) VCF-style: chr5-33989577-T-C.
Other names: c.770A>G, p.Asn257Ser (NM_001167595.2); c.*12A>G (NM_203382.3); short protein forms N257S.
Identifiers: ClinVar variation 596793 (VCV000596793.14), dbSNP rs781463041, ClinGen allele CA3226031.

ClinVar aggregate classification (germline): Uncertain significance. Review status: criteria provided, multiple submitters, no conflicts (2 of 4 stars). 5 submissions from 5 submitters: Uncertain significance (4). 1 of the submissions does not count toward it. Last evaluated 2024-09-17.

Conditions:
Alpha-methylacyl-CoA racemase deficiency (AMACRD). Also called: AMACR deficiency. Identifiers: Orphanet 79095, MedGen C3280428, MONDO:0013681, OMIM 614307. Disease mechanism: loss of function.
AMACR-related disorder. Also called: AMACR-Related Disorders; AMACR-related condition.

Allele frequency attached by ClinVar (database versions not stated): ExAC 0.00001; gnomAD exomes 0.00001 and 0.00002; gnomAD 0.00002 and 0.00004; TOPMed 0.00003.

Submissions (5):

Blueprint Genetics
Classification: Uncertain significance. Last evaluated: 2024-09-17. Review status: criteria provided, single submitter. Criteria: ACMG Guidelines, 2015. Collection method: clinical testing. Allele origin: germline.

Labcorp Genetics (formerly Invitae), Labcorp
Classification: Uncertain significance for Alpha-methylacyl-CoA racemase deficiency. Last evaluated: 2022-08-07. Review status: criteria provided, single submitter. Criteria: Invitae Variant Classification Sherloc (09022015). Collection method: clinical testing. Allele origin: germline.
Comment: This sequence change replaces asparagine, which is neutral and polar, with serine, which is neutral and polar, at codon 257 of the AMACR protein (p.Asn257Ser). This variant is present in population databases (rs781463041, gnomAD 0.01%). This variant has not been reported in the literature in individuals affected with AMACR-related conditions. ClinVar contains an entry for this variant (Variation ID: 596793). Algorithms developed to predict the effect of missense changes on protein structure and function output the following: SIFT: "Tolerated"; PolyPhen-2: "Benign"; Align-GVGD: "Class C0". The serine amino acid residue is found in multiple mammalian species, which suggests that this missense change does not adversely affect protein function. Algorithms developed to predict the effect of sequence changes on RNA splicing suggest that this variant may create or strengthen a splice site. In summary, the available evidence is currently insufficient to determine the role of this variant in disease. Therefore, it has been classified as a Variant of Uncertain Significance.

Mayo Clinic Laboratories, Mayo Clinic
Classification: Uncertain significance. Last evaluated: 2019-06-04. Review status: criteria provided, single submitter. Criteria: ACMG Guidelines, 2015. Collection method: clinical testing. Allele origin: germline. Observed: 2 variant alleles.

Eurofins Ntd Llc (ga)
Classification: Uncertain significance. Last evaluated: 2018-04-10. Review status: criteria provided, single submitter. Criteria: EGL ClinVar v180209 classification definitions. Collection method: clinical testing. Allele origin: germline. Observed: 1 variant allele, 1 heterozygote.

PreventionGenetics, part of Exact Sciences
Classification: Uncertain significance for AMACR-related condition. Last evaluated: 2024-08-23. Review status: no assertion criteria provided. Collection method: clinical testing. Allele origin: germline. Not counted in ClinVar's aggregate classification.
Comment: The AMACR c.770A>G variant is predicted to result in the amino acid substitution p.Asn257Ser. To our knowledge, this variant has not been reported in the literature. This variant is reported in 0.0097% of alleles in individuals of Ashkenazi Jewish descent in gnomAD. At this time, the clinical significance of this variant is uncertain due to the absence of conclusive functional and genetic evidence.